The following is an entry in ClinVar:

NM_014484.5(MOCS3):c.865C>G (p.Arg289Gly)

Gene: MOCS3 (molybdenum cofactor synthesis 3; plus strand). Cytogenetic location: 20q13.13.
Variant type: single nucleotide variant.
Coding change: c.865C>G on transcript NM_014484.5 (MANE Select); coding-DNA position 865, C replaced by G.
Protein change: p.Arg289Gly; replaces arginine 289 with glycine.
Molecular consequence: missense variant.
Genome position (GRCh38, 1-based): chr20:50,959,707, C>G. VCF-style: chr20-50959707-C-G. GRCh37 (hg19) VCF-style: chr20-49576244-C-G.
Other names: short protein forms R289G.
Identifiers: ClinVar variation 2983953 (VCV002983953.3), dbSNP rs569210727, ClinGen allele CA408984823.

ClinVar aggregate classification (germline): Uncertain significance (1 of 4 stars; one submission).

gnomAD v4.1: 1 of 1,614,240 alleles (0.000062%); no homozygotes.

Submission:

Labcorp Genetics (formerly Invitae), Labcorp
Classification: Uncertain significance. Last evaluated: 2023-03-04. Review status: criteria provided, single submitter. Criteria: Invitae Variant Classification Sherloc (09022015). Collection method: clinical testing. Allele origin: germline.
Comment: This sequence change replaces arginine, which is basic and polar, with glycine, which is neutral and non-polar, at codon 289 of the MOCS3 protein (p.Arg289Gly). This variant is not present in population databases (gnomAD no frequency). This variant has not been reported in the literature in individuals affected with MOCS3-related conditions. An algorithm developed to predict the effect of missense changes on protein structure and function (PolyPhen-2) suggests that this variant is likely to be tolerated. In summary, the available evidence is currently insufficient to determine the role of this variant in disease. Therefore, it has been classified as a Variant of Uncertain Significance.